The following is an entry in ClinVar:

ClinVar aggregate classification (germline): Uncertain significance (1 of 4 stars; one submission).

Conditions:
Arginine:glycine amidinotransferase deficiency (CCDS3). Also called: Cerebral creatine deficiency syndrome 3; Creatine deficiency syndrome due to AGAT deficiency; GATM deficiency; L-Arginine:Glycine Amidinotransferase (AGAT) Deficiency; AGAT deficiency; L-Arginine:Glycine Amidinotransferase Deficiency. Identifiers: Orphanet 35704, MedGen C2675179, MONDO:0012996, OMIM 612718.

Allele frequency attached by ClinVar (database versions not stated): gnomAD 0.00001.
gnomAD v4.1: 1 of 1,613,900 alleles (0.000062%); highest among the groups gnomAD compares: African/African-American, 0.0013%; no homozygotes.

Submission:

Labcorp Genetics (formerly Invitae), Labcorp
Classification: Uncertain significance for Arginine:glycine amidinotransferase deficiency. Last evaluated: 2022-01-31. Review status: criteria provided, single submitter. Criteria: Invitae Variant Classification Sherloc (09022015). Collection method: clinical testing. Allele origin: germline.
Comment: In summary, the available evidence is currently insufficient to determine the role of this variant in disease. Therefore, it has been classified as a Variant of Uncertain Significance. Algorithms developed to predict the effect of sequence changes on RNA splicing suggest that this variant may create or strengthen a splice site. Algorithms developed to predict the effect of missense changes on protein structure and function (SIFT, PolyPhen-2, Align-GVGD) all suggest that this variant is likely to be tolerated. This variant has not been reported in the literature in individuals affected with GATM-related conditions. This variant is not present in population databases (gnomAD no frequency). This sequence change replaces histidine, which is basic and polar, with glutamine, which is neutral and polar, at codon 325 of the GATM protein (p.His325Gln).

NM_001482.3(GATM):c.975C>G (p.His325Gln)

Gene: GATM (glycine amidinotransferase; minus strand). Cytogenetic location: 15q21.1.
Variant type: single nucleotide variant.
Coding change: c.975C>G on transcript NM_001482.3 (MANE Select); coding-DNA position 975, C replaced by G.
Protein change: p.His325Gln; replaces histidine 325 with glutamine.
Molecular consequence: missense variant.
Genome position (GRCh38, 1-based): chr15:45,366,049, G>C on the plus strand (C>G on the coding strand, the complement: GATM is on the minus strand). VCF-style: chr15-45366049-G-C. GRCh37 (hg19) VCF-style: chr15-45658247-G-C.
Other names: c.588C>G, p.His196Gln (NM_001321015.2); short protein forms H196Q, H325Q.
Identifiers: ClinVar variation 1957291 (VCV001957291.5), dbSNP rs1889443132, ClinGen allele CA392257428.